The following is an entry in ClinVar:

ClinVar aggregate classification (germline): Uncertain significance (1 of 4 stars; one submission).

Submission:

Labcorp Genetics (formerly Invitae), Labcorp
Classification: Uncertain significance. Last evaluated: 2022-08-20. Review status: criteria provided, single submitter. Criteria: Invitae Variant Classification Sherloc (09022015). Collection method: clinical testing. Allele origin: germline.
Comment: Algorithms developed to predict the effect of missense changes on protein structure and function are either unavailable or do not agree on the potential impact of this missense change (SIFT: "Deleterious"; PolyPhen-2: "Benign"; Align-GVGD: "Class C0"). In summary, the available evidence is currently insufficient to determine the role of this variant in disease. Therefore, it has been classified as a Variant of Uncertain Significance. This variant has not been reported in the literature in individuals affected with ERCC2-related conditions. This variant is not present in population databases (gnomAD no frequency). This sequence change replaces lysine, which is basic and polar, with isoleucine, which is neutral and non-polar, at codon 69 of the ERCC2 protein (p.Lys69Ile).

NM_000400.4(ERCC2):c.206A>T (p.Lys69Ile)

Gene: ERCC2 (ERCC excision repair 2, TFIIH core complex helicase subunit; minus strand). Cytogenetic location: 19q13.32.
Variant type: single nucleotide variant.
Coding change: c.206A>T on transcript NM_000400.4 (MANE Select); coding-DNA position 206, A replaced by T.
Protein change: p.Lys69Ile; replaces lysine 69 with isoleucine.
Molecular consequence: missense variant.
Genome position (GRCh38, 1-based): chr19:45,368,970, T>A on the plus strand (A>T on the coding strand, the complement: ERCC2 is on the minus strand). VCF-style: chr19-45368970-T-A. GRCh37 (hg19) VCF-style: chr19-45872228-T-A.
Other names: c.134A>T, p.Lys45Ile (NM_001130867.2); short protein forms K45I, K69I.
Identifiers: ClinVar variation 1717191 (VCV001717191.5), dbSNP rs2514044992, ClinGen allele CA406379248.